The following is an entry in ClinVar:

ClinVar aggregate classification (germline): Likely benign (0 of 4 stars; one submission).

Conditions:
CACNA1H-related disorder.

Submission:

PreventionGenetics, part of Exact Sciences
Classification: Likely benign for CACNA1H-related condition. Last evaluated: 2019-03-20. Review status: no assertion criteria provided. Collection method: clinical testing. Allele origin: germline.
Comment: This variant is classified as likely benign based on ACMG/AMP sequence variant interpretation guidelines (Richards et al. 2015 PMID: 25741868, with internal and published modifications).

NM_021098.3(CACNA1H):c.2460G>A (p.Glu820=)

Gene: CACNA1H (calcium voltage-gated channel subunit alpha1 H; plus strand). Cytogenetic location: 16p13.3.
Variant type: single nucleotide variant.
Coding change: c.2460G>A on transcript NM_021098.3 (MANE Select); coding-DNA position 2460, G replaced by A.
Protein change: p.Glu820=; no amino-acid change (glutamic acid 820 retained).
Molecular consequence: synonymous variant.
Genome position (GRCh38, 1-based): chr16:1,205,122, G>A. VCF-style: chr16-1205122-G-A. GRCh37 (hg19) VCF-style: chr16-1255122-G-A.
Other names: c.2460G>A, p.Glu820= (NM_001005407.2).
Identifiers: ClinVar variation 3058792 (VCV003058792.2), dbSNP rs1968525988, ClinGen allele CA492890343.